The following is an entry in ClinVar:

ClinVar aggregate classification (germline): Benign (1 of 4 stars; one submission).

Conditions:
Carnitine acylcarnitine translocase deficiency (CACTD). Identifiers: Orphanet 159, MedGen C0342791, MONDO:0008918, OMIM 212138.

Allele frequency attached by ClinVar (database versions not stated): gnomAD 0.01837 and 0.01955; TOPMed 0.02013; 1000 Genomes Project 0.02476; 1000 Genomes Project 30x 0.02655.

Submission:

Illumina Laboratory Services, Illumina
Classification: Benign for Carnitine acylcarnitine translocase deficiency. Last evaluated: 2018-01-13. Review status: criteria provided, single submitter. Criteria: ICSL Variant Classification Criteria 13 December 2019. Collection method: clinical testing. Allele origin: germline.
Comment: This variant was observed in the ICSL laboratory as part of a predisposition screen in an ostensibly healthy population. It had not been previously curated by ICSL or reported in the Human Gene Mutation Database (HGMD: prior to June 1st, 2018), and was therefore a candidate for classification through an automated scoring system. Utilizing variant allele frequency, disease prevalence and penetrance estimates, and inheritance mode, an automated score was calculated to assess if this variant is too frequent to cause the disease. Based on the score and internal cut-off values, a variant classified as benign is not then subjected to further curation. The score for this variant resulted in a classification of benign for this disease.

NM_000387.6(SLC25A20):c.*698G>A

Gene: SLC25A20 (solute carrier family 25 member 20; minus strand). Cytogenetic location: 3p21.31.
Variant type: single nucleotide variant.
Coding change: c.*698G>A on transcript NM_000387.6 (MANE Select); 698 bases downstream of the stop codon, G replaced by A.
Molecular consequence: 3 prime UTR variant.
Genome position (GRCh38, 1-based): chr3:48,857,012, C>T on the plus strand (G>A on the coding strand, the complement: SLC25A20 is on the minus strand). VCF-style: chr3-48857012-C-T. GRCh37 (hg19) VCF-style: chr3-48894445-C-T.
Identifiers: ClinVar variation 345931 (VCV000345931.5), dbSNP rs14828, ClinGen allele CA10619139.